The following is an entry in ClinVar:

ClinVar aggregate classification (germline): Benign. Review status: criteria provided, multiple submitters, no conflicts (2 of 4 stars). 7 submissions from 7 submitters: Benign (5). 2 of the submissions do not count toward it. Last evaluated 2026-02-04.

Conditions:
Autosomal recessive nonsyndromic hearing loss 4 (DFNB4). Also called: NEUROSENSORY NONSYNDROMIC RECESSIVE DEAFNESS 4; Deafness, autosomal recessive 4, with enlarged vestibular aqueduct; FOXI1-Related Pendred Syndrome; KCNJ10-Related Pendred Syndrome; DEAFNESS, AUTOSOMAL RECESSIVE 4, WITH ENLARGED VESTIBULAR AQUEDUCT, DIGENIC; Deafness, autosomal recessive 4. Identifiers: Orphanet 90636, MedGen C3538946, MONDO:0010933, OMIM 600791.

Allele frequency attached by ClinVar (database versions not stated): gnomAD exomes 0.18341 and 0.23115; ESP Exome Variant Server 0.27462; gnomAD 0.28739 and 0.29024; TOPMed 0.29995; ExAC 0.30632; 1000 Genomes Project 0.36202; 1000 Genomes Project 30x 0.36243.

Submissions (7):

Labcorp Genetics (formerly Invitae), Labcorp
Classification: Benign. Last evaluated: 2026-02-04. Review status: criteria provided, single submitter. Criteria: Invitae Variant Classification Sherloc (09022015). Collection method: clinical testing. Allele origin: germline.

Blueprint Genetics
Classification: Benign. Last evaluated: 2024-11-26. Review status: criteria provided, single submitter. Criteria: ACMG Guidelines, 2015. Collection method: clinical testing. Allele origin: germline.

Mayo Clinic Laboratories, Mayo Clinic
Classification: Benign. Last evaluated: 2022-03-09. Review status: criteria provided, single submitter. Criteria: ACMG Guidelines, 2015. Collection method: clinical testing. Allele origin: germline. Observed: 121 variant alleles.

GeneDx
Classification: Benign. Last evaluated: 2018-11-11. Review status: criteria provided, single submitter. Criteria: GeneDx Variant Classification Process June 2021. Collection method: clinical testing. Allele origin: germline. Affected: yes.

Illumina Laboratory Services, Illumina
Classification: Benign for Autosomal recessive nonsyndromic hearing loss 4. Last evaluated: 2018-01-13. Review status: criteria provided, single submitter. Criteria: ICSL Variant Classification Criteria 13 December 2019. Collection method: clinical testing. Allele origin: germline.
Comment: This variant was observed in the ICSL laboratory as part of a predisposition screen in an ostensibly healthy population. It had not been previously curated by ICSL or reported in the Human Gene Mutation Database (HGMD: prior to June 1st, 2018), and was therefore a candidate for classification through an automated scoring system. Utilizing variant allele frequency, disease prevalence and penetrance estimates, and inheritance mode, an automated score was calculated to assess if this variant is too frequent to cause the disease. Based on the score and internal cut-off values, a variant classified as benign is not then subjected to further curation. The score for this variant resulted in a classification of benign for this disease.

Diagnostic Laboratory, Department of Genetics, University Medical Center Groningen
Classification: Benign. Review status: no assertion criteria provided. Collection method: clinical testing. Allele origin: germline. Affected: yes. Study: VKGL Data-share Consensus. Not counted in ClinVar's aggregate classification.

Joint Genome Diagnostic Labs from Nijmegen and Maastricht, Radboudumc and MUMC+
Classification: Benign. Review status: no assertion criteria provided. Collection method: clinical testing. Allele origin: germline. Affected: yes. Study: VKGL Data-share Consensus. Not counted in ClinVar's aggregate classification.

NM_012188.5(FOXI1):c.279G>A (p.Arg93=)

Gene: FOXI1 (forkhead box I1; plus strand). Cytogenetic location: 5q35.1.
Variant type: single nucleotide variant.
Coding change: c.279G>A on transcript NM_012188.5 (MANE Select); coding-DNA position 279, G replaced by A.
Protein change: p.Arg93=; no amino-acid change (arginine 93 retained).
Molecular consequence: synonymous variant.
Genome position (GRCh38, 1-based): chr5:170,106,236, G>A. VCF-style: chr5-170106236-G-A. GRCh37 (hg19) VCF-style: chr5-169533240-G-A.
Other names: p.Arg93=; c.279G>A, p.Arg93= (NM_144769.4).
Identifiers: ClinVar variation 352702 (VCV000352702.21), dbSNP rs2277944, ClinGen allele CA3555004.